The following is an entry in ClinVar:

ClinVar aggregate classification (germline): Pathogenic (1 of 4 stars; one submission).

Conditions:
Hereditary breast ovarian cancer syndrome. Also called: Breast and ovarian cancer; BRCA1- and BRCA2-Associated Hereditary Breast and Ovarian Cancer; Hereditary breast and ovarian cancer syndrome; Hereditary breast and/or ovarian cancer syndrome; Hereditary breast and ovarian cancer; Hereditary breast and ovarian cancer syndrome (HBOC). Identifiers: Orphanet 145, MedGen C0677776, MeSH D061325, MONDO:0003582. Disease mechanism: loss of function.

Submission:

Labcorp Genetics (formerly Invitae), Labcorp
Classification: Pathogenic for Hereditary breast ovarian cancer syndrome. Last evaluated: 2016-10-11. Review status: criteria provided, single submitter. Criteria: Invitae Variant Classification Sherloc (09022015). Collection method: clinical testing. Allele origin: germline.
Comment: For these reasons, this variant has been classified as Pathogenic. Four different variants involving the initiation codon (c.2T>A, c.2T>C, c.2T>G, and c.3G>A) have been reported in individuals affected with hereditary breast and/or ovarian cancer (PMID: 24607278, 24156927, 14647210, 18182601), indicating that this start site is critical for translation of a functional BRCA2 protein. Loss-of-function variants including gross deletions in BRCA2 are known to be pathogenic. In addition, a smaller gross deletion of exon 2 including the initiator codon has been reported in individuals affected with hereditary breast and/or ovarian cancer (PMID: 17063271). This variant is a gross deletion of the genomic region encompassing exons 2-3 of the BRCA2 gene, which includes the initiator codon. The 5' end of this event is unknown as it extends beyond the assayed region for this gene and therefore may encompass additional genes. The 3' boundary is likely confined to intron 3 of the BRCA2 gene. This is expected to result in an absent or disrupted protein product.

Literature cited by the submitters: PubMed 24607278; PubMed 24156927; PubMed 14647210; PubMed 18182601; PubMed 17063271.

NC_000013.10:g.(?_32890592)_(32893468_?)del

Gene: BRCA2 (BRCA2 DNA repair associated; plus strand). Cytogenetic location: 13q13.1.
Variant type: Deletion.
Identifiers: ClinVar variation 1070261 (VCV001070261.9).